The following is an entry in ClinVar:

NM_001177693.2(ARHGEF28):c.4113+5G>A

Gene: ARHGEF28 (Rho guanine nucleotide exchange factor 28; plus strand). Cytogenetic location: 5q13.2.
Variant type: single nucleotide variant.
Coding change: c.4113+5G>A on transcript NM_001177693.2 (MANE Select); 5 bases into the intron after coding-DNA position 4113, G replaced by A.
Molecular consequence: intron variant.
Genome position (GRCh38, 1-based): chr5:73,904,265, G>A. VCF-style: chr5-73904265-G-A. GRCh37 (hg19) VCF-style: chr5-73200090-G-A.
Other names: c.4113+5G>A (NM_001080479.3, NM_001388078.1); c.3819+5G>A (NM_001388076.1); c.3174+5G>A (NM_001244364.2).
Identifiers: ClinVar variation 2636038 (VCV002636038.1), dbSNP rs753005506, ClinGen allele CA3305267.
Genomic context (GRCh38, chr5:73,904,265, plus strand): 5'-TTTTTTATGTATTTTAGGTGGAATGTAGAAATTTTCCAGGTTCTTCACAATCAGAGGTGA[G>A]CTGCTGCACATACCTTAAATGTATCACCAGCCTTTATTTGTGGATAATGAAAGCTTTTTC-3'

ClinVar aggregate classification (germline): Uncertain significance (1 of 4 stars; one submission).

Conditions:
ARHGEF28-related disorder. Also called: ARHGEF28-related condition.

Allele frequency attached by ClinVar (database versions not stated): gnomAD exomes below 0.00001.
gnomAD v4.1: 5 of 1,613,896 alleles (0.00031%); highest among the groups gnomAD compares: Non-Finnish European, 0.00034%; no homozygotes.

Submission:

PreventionGenetics, part of Exact Sciences
Classification: Uncertain significance for ARHGEF28-related condition. Last evaluated: 2023-04-07. Review status: criteria provided, single submitter. Criteria: ACMG Guidelines, 2015. Collection method: clinical testing. Allele origin: germline.
Comment: The ARHGEF28 c.4113+5G>A variant is predicted to interfere with splicing. However, computer predictions are imperfect and not equivalent to functional evidence. To our knowledge, this variant has not been reported in the literature. This variant is reported in 0.00089% of alleles in individuals of European (Non-Finnish) descent in gnomAD. At this time, the clinical significance of this variant is uncertain due to the absence of conclusive functional and genetic evidence.